The following is an entry in ClinVar:

NM_000135.4(FANCA):c.4258G>T (p.Glu1420Ter)

Genes: FANCA (FA complementation group A; minus strand), ZNF276 (zinc finger protein 276; plus strand). Cytogenetic location: 16q24.3.
Variant type: single nucleotide variant.
Coding change: c.4258G>T on transcript NM_000135.4 (MANE Select); coding-DNA position 4258, G replaced by T.
Protein change: p.Glu1420Ter; replaces glutamic acid 1420 with a stop codon.
Molecular consequence: nonsense. On other transcripts: missense variant (1), 3 prime UTR variant (2), non-coding transcript variant (4).
Genome position (GRCh38, 1-based): chr16:89,738,884, C>A on the plus strand (G>T on the coding strand, the complement: FANCA is on the minus strand). VCF-style: chr16-89738884-C-A. GRCh37 (hg19) VCF-style: chr16-89805292-C-A.
Other names: c.4262G>T, p.Arg1421Ile (NM_001286167.3); c.*638C>A (NM_001113525.2, NM_152287.4); c.4258G>T (NM_000135.3); short protein forms E1420*, R1421I.
Identifiers: ClinVar variation 1343433 (VCV001343433.3), dbSNP rs984285795, ClinGen allele CA286614248.

ClinVar aggregate classification (germline): Likely pathogenic. Review status: criteria provided, multiple submitters, no conflicts (2 of 4 stars). 3 submissions from 3 submitters: Likely pathogenic (3). Last evaluated 2025-06-03.

Conditions:
Fanconi anemia (FA). Also called: Fanconi's anemia. Identifiers: Orphanet 84, MedGen C0015625, MeSH D005199, MONDO:0019391.
Fanconi anemia complementation group A (FANCA). Also called: Fanconi anemia, group A; FANCA-Related Fanconi Anemia. Identifiers: Orphanet 84, MedGen C3469521, MONDO:0009215, OMIM 227650.

Allele frequency attached by ClinVar (database versions not stated): TOPMed below 0.00001.
gnomAD v4.1: 3 of 1,614,264 alleles (0.00019%); highest among the groups gnomAD compares: African/African-American, 0.0027%; no homozygotes.

Submissions (3):

Natera, Inc.
Classification: Likely pathogenic for Fanconi anemia. Last evaluated: 2025-06-03. Review status: criteria provided, single submitter. Criteria: Natera Variant Classification Schema (03/2026). Collection method: clinical testing. Allele origin: germline.
Comment: The c.4258G>T variant in FANCA is a nonsense variant predicted to introduce a stop codon at amino acid 1420. This variant is expected to result in nonsense mediated decay, truncation, or a dysfunctional protein product. This variant is rare in the general population with a frequency below the threshold expected for the associated phenotype(s). Given the available evidence, this variant is classified as Likely Pathogenic.

Baylor Genetics
Classification: Likely pathogenic for Fanconi anemia complementation group A. Last evaluated: 2023-10-04. Review status: criteria provided, single submitter. Criteria: ACMG Guidelines, 2015. Collection method: clinical testing. Allele origin: unknown.

Women's Health and Genetics/Laboratory Corporation of America, LabCorp
Classification: Likely pathogenic for Fanconi anemia. Last evaluated: 2022-02-08. Review status: criteria provided, single submitter. Criteria: LabCorp Variant Classification Summary - May 2015. Collection method: clinical testing. Allele origin: germline.
Comment: Variant summary: FANCA c.4258G>T (p.Glu1420X) results in a premature termination codon, predicted to cause a truncation of the encoded protein or absence of the protein due to nonsense mediated decay, which are commonly known mechanisms for disease. Truncations downstream of this position have not been observed by our laboratory but at-least one downstream variant (c.4285_4288dupGACC, p.Pro1430Argfs*17) has been reported with a phenotype of Fanconi anaemia in the HGMD database. The variant was absent in 251468 control chromosomes. c.4258G>T has been reported in the literature as a compound heterozygous genotype in at-least one individual affected with Fanconi Anemia (example, De Rocco_2014). To our knowledge, no experimental evidence demonstrating an impact on protein function has been reported. No clinical diagnostic laboratories have submitted clinical-significance assessments for this variant to ClinVar after 2014. Based on the evidence outlined above, the variant was classified as likely pathogenic.

Literature cited by the submitters: PubMed 24584348 (cited by Women's Health and Genetics/Laboratory Corporation of America, LabCorp).